The following is an entry in ClinVar:

ClinVar aggregate classification (germline): Pathogenic. Review status: criteria provided, multiple submitters, no conflicts (2 of 4 stars). 4 submissions from 4 submitters: Pathogenic (4). Last evaluated 2024-07-01.

Conditions:
Hereditary cancer-predisposing syndrome. Also called: Hereditary neoplastic syndrome; Tumor predisposition; Hereditary Cancer Syndrome; Neoplastic Syndromes, Hereditary. Identifiers: Orphanet 140162, MedGen C0027672, MeSH D009386, MONDO:0015356.
Familial adenomatous polyposis 1 (FAP1). Also called: FAMILIAL ADENOMATOUS POLYPOSIS 1, ATTENUATED; POLYPOSIS, ADENOMATOUS INTESTINAL. Identifiers: MedGen C2713442, MONDO:0021056, OMIM 175100. Disease mechanism: loss of function.
Classic or attenuated familial adenomatous polyposis. Identifiers: MedGen CN372698, MONDO:0021057.
Familial multiple polyposis syndrome (FAP). Also called: Familial Adenomatous Polyposis (FAP); Familial adenomatous polyposis; Familial intestinal polyposis; Familial polyposis; Classic familial adenomatous polyposis. Identifiers: Orphanet 733, MedGen C0032580, MONDO:0021055. Disease mechanism: loss of function.

Submissions (4):

Women's Health and Genetics/Laboratory Corporation of America, LabCorp
Classification: Pathogenic for Familial multiple polyposis syndrome. Last evaluated: 2024-07-01. Review status: criteria provided, single submitter. Criteria: LabCorp Variant Classification Summary - May 2015. Collection method: clinical testing. Allele origin: germline.
Comment: Variant summary: APC c.6578_6579delAA (p.Lys2193SerfsX3) results in a premature termination codon, predicted to cause a truncation of the encoded protein. At least one truncating variant downstream of this position has been determined to be pathogenic. The variant was absent in 248946 control chromosomes (gnomAD). To our knowledge, no occurrence of c.6578_6579delAA in individuals affected with Familial Adenomatous Polyposis and no experimental evidence demonstrating its impact on protein function have been reported. ClinVar contains an entry for this variant (Variation ID: 2584323). Based on the evidence outlined above, the variant was classified as pathogenic.

All of Us Research Program, National Institutes of Health
Classification: Pathogenic for Classic or attenuated familial adenomatous polyposis. Last evaluated: 2024-01-08. Review status: criteria provided, single submitter. Criteria: ACMG Guidelines, 2015. Collection method: clinical testing. Allele origin: germline. Inheritance: Autosomal dominant inheritance. Observed: 1 variant allele, 1 heterozygote.
Comment: This variant deletes 2 nucleotides in exon 16 of the APC gene, creating a frameshift and premature translation stop signal in the last coding exon. This variant is predicted to escape nonsense-mediated decay and be expressed as a truncated protein. Although functional studies have not been reported, this variant is expected to disrupt several important domains including the basic domain, the EB1 binding domain, and the HDLG binding domain (PMID: 11257105). To our knowledge, this variant has not been reported in individuals affected with APC-related disorders in the literature. This variant has not been identified in the general population by the Genome Aggregation Database (gnomAD). Loss of APC function is a known mechanism of disease. Based on the available evidence, this variant is classified as Pathogenic.

This study involves interpretation of variants in research participants for the purpose of population health screening. Participant phenotype was not available at the time of variant classification. Additional details can be found in publication PMID: 35346344, PMCID: PMC8962531

Color Diagnostics, LLC DBA Color Health
Classification: Pathogenic for Hereditary cancer-predisposing syndrome. Last evaluated: 2023-11-16. Review status: criteria provided, single submitter. Criteria: ACMG Guidelines, 2015. Collection method: clinical testing. Allele origin: germline.
Comment: This variant deletes 2 nucleotides in exon 16 of the APC gene, creating a frameshift and premature translation stop signal in the last coding exon. This variant is predicted to escape nonsense-mediated decay and be expressed as a truncated protein. Although functional studies have not been reported, this variant is expected to disrupt several important domains including the basic domain, the EB1 binding domain, and the HDLG binding domain (PMID: 11257105). To our knowledge, this variant has not been reported in individuals affected with APC-related disorders in the literature. This variant has not been identified in the general population by the Genome Aggregation Database (gnomAD). Loss of APC function is a known mechanism of disease. Based on the available evidence, this variant is classified as Pathogenic.

Myriad Genetics, Inc.
Classification: Pathogenic for Familial adenomatous polyposis 1. Last evaluated: 2023-05-15. Review status: criteria provided, single submitter. Criteria: Myriad Autosomal Dominant, Autosomal Recessive and X-Linked Classification Criteria (2023). Collection method: clinical testing. Allele origin: unknown.
Comment: This variant is considered pathogenic. This variant creates a frameshift predicted to result in premature protein truncation.

Literature cited by the submitters: PubMed 11257105 (cited by All of Us Research Program, National Institutes of Health and Color Diagnostics, LLC DBA Color Health).

NM_000038.6(APC):c.6578_6579del (p.Lys2193fs)

Gene: APC (APC regulator of Wnt signaling pathway; plus strand). Cytogenetic location: 5q22.2.
Variant type: Deletion.
Coding change: c.6578_6579del on transcript NM_000038.6 (MANE Select); coding-DNA positions 6578 to 6579, 2 bases deleted (AA; older notation c.6578_6579delAA).
Protein change: p.Lys2193fs; shifts the reading frame from lysine 2193.
Molecular consequence: frameshift variant. On other transcripts: non-coding transcript variant (2).
Genome position (GRCh38, 1-based): chr5:112,842,172-112,842,173, AA deleted; deleting any 2 consecutive bases within chr5:112,842,167-112,842,173 gives the same sequence; the c. name uses the placement nearest the transcript's 3' end. VCF-style (leftmost placement, unchanged base first): chr5-112842166-GAA-G. GRCh37 (hg19) VCF-style: chr5-112177863-GAA-G.
Other names: c.6578_6579del, p.Lys2193fs (NM_001127510.3, NM_001354895.2, NM_001407450.1); c.6524_6525del, p.Lys2175fs (NM_001127511.3); c.6632_6633del, p.Lys2211fs (NM_001354896.2, NM_001407447.1, NM_001407448.1 and 1 more transcripts); c.6608_6609del, p.Lys2203fs (NM_001354897.2); c.6503_6504del, p.Lys2168fs (NM_001354898.2); c.6494_6495del, p.Lys2165fs (NM_001354899.2); c.6455_6456del, p.Lys2152fs (NM_001354900.2); c.6401_6402del, p.Lys2134fs (NM_001354901.2, NM_001407453.1); and 12 more; short protein forms K1809fs, K1910fs, K2033fs, K2064fs, K2067fs, K2092fs, K2102fs, K2110fs.
Identifiers: ClinVar variation 2584323 (VCV002584323.5), dbSNP rs775076289, ClinGen allele CA2582341613.